The following is an entry in ClinVar:

NM_001145418.2(TTC28):c.5437C>T (p.Arg1813Trp)

Genes: TTC28 (tetratricopeptide repeat domain 28; minus strand), TTC28-AS1 (TTC28 antisense RNA 1; plus strand). Cytogenetic location: 22q12.1.
Variant type: single nucleotide variant.
Coding change: c.5437C>T on transcript NM_001145418.2 (MANE Select); coding-DNA position 5437, C replaced by T.
Protein change: p.Arg1813Trp; replaces arginine 1813 with tryptophan.
Molecular consequence: missense variant.
Genome position (GRCh38, 1-based): chr22:27,993,326, G>A on the plus strand (C>T on the coding strand, the complement: TTC28 is on the minus strand). VCF-style: chr22-27993326-G-A. GRCh37 (hg19) VCF-style: chr22-28389314-G-A.
Other names: c.5437C>T, p.Arg1813Trp (NM_001393403.1); c.5083C>T, p.Arg1695Trp (NM_001393404.1, NM_001393405.1); short protein forms R1695W, R1813W.
Identifiers: ClinVar variation 3041167 (VCV003041167.2), dbSNP rs191320855, ClinGen allele CA10167141.

ClinVar aggregate classification (germline): Likely benign (0 of 4 stars; one submission).

Conditions:
TTC28-related disorder. Also called: TTC28-related condition.

Allele frequency attached by ClinVar (database versions not stated): 1000 Genomes Project 0.00200; 1000 Genomes Project 30x 0.00234; ESP Exome Variant Server 0.00263; TOPMed 0.00266; gnomAD 0.00272; ExAC 0.00302; gnomAD exomes 0.00456.
gnomAD v4.1: 6,713 of 1,548,780 alleles (0.43%); highest among the groups gnomAD compares: Non-Finnish European, 0.53%; 32 homozygotes.

Submission:

PreventionGenetics, part of Exact Sciences
Classification: Likely benign for TTC28-related condition. Last evaluated: 2022-11-22. Review status: no assertion criteria provided. Collection method: clinical testing. Allele origin: germline.
Comment: This variant is classified as likely benign based on ACMG/AMP sequence variant interpretation guidelines (Richards et al. 2015 PMID: 25741868, with internal and published modifications).